The following is an entry in ClinVar:

ClinVar aggregate classification (germline): Uncertain significance (1 of 4 stars; one submission).

Submission:

Labcorp Genetics (formerly Invitae), Labcorp
Classification: Uncertain significance. Last evaluated: 2025-10-22. Review status: criteria provided, single submitter. Criteria: Invitae Variant Classification Sherloc (09022015). Collection method: clinical testing. Allele origin: germline.
Comment: This sequence change replaces threonine, which is neutral and polar, with isoleucine, which is neutral and non-polar, at codon 4927 of the FAT4 protein (p.Thr4927Ile). This variant is not present in population databases (gnomAD no frequency). This variant has not been reported in the literature in individuals affected with FAT4-related conditions. ClinVar contains an entry for this variant (Variation ID: 1714236). Invitae Evidence Modeling of protein sequence and biophysical properties (such as structural, functional, and spatial information, amino acid conservation, physicochemical variation, residue mobility, and thermodynamic stability) indicates that this missense variant is not expected to disrupt FAT4 protein function with a negative predictive value of 95%. In summary, the available evidence is currently insufficient to determine the role of this variant in disease. Therefore, it has been classified as a Variant of Uncertain Significance.

NM_001291303.3(FAT4):c.14786C>T (p.Thr4929Ile)

Gene: FAT4 (FAT atypical cadherin 4; plus strand). Cytogenetic location: 4q28.1.
Variant type: single nucleotide variant.
Coding change: c.14786C>T on transcript NM_001291303.3 (MANE Select); coding-DNA position 14786, C replaced by T.
Protein change: p.Thr4929Ile; replaces threonine 4929 with isoleucine.
Molecular consequence: missense variant.
Genome position (GRCh38, 1-based): chr4:125,491,602, C>T. VCF-style: chr4-125491602-C-T. GRCh37 (hg19) VCF-style: chr4-126412757-C-T.
Other names: c.14783C>T, p.Thr4928Ile (NM_001291285.3); c.14780C>T, p.Thr4927Ile (NM_024582.6); short protein forms T4927I, T4928I, T4929I.
Identifiers: ClinVar variation 1714236 (VCV001714236.4), dbSNP rs2530092691, ClinGen allele CA358143633.